The following is an entry in ClinVar:

ClinVar aggregate classification (germline): Uncertain significance (1 of 4 stars; one submission).

Conditions:
Hereditary cancer-predisposing syndrome. Also called: Hereditary neoplastic syndrome; Neoplastic Syndromes, Hereditary; Tumor predisposition; Hereditary Cancer Syndrome. Identifiers: Orphanet 140162, MedGen C0027672, MeSH D009386, MONDO:0015356.

Allele frequency attached by ClinVar (database versions not stated): gnomAD exomes below 0.00001.
gnomAD v4.1: 1 of 1,609,884 alleles (0.000062%); highest among the groups gnomAD compares: Non-Finnish European, 0.000085%; no homozygotes.

Submission:

Ambry Genetics
Classification: Uncertain significance for Hereditary cancer-predisposing syndrome. Last evaluated: 2021-11-22. Review status: criteria provided, single submitter. Criteria: Ambry Variant Classification Scheme 2023. Collection method: clinical testing. Allele origin: germline.
Comment: The p.Y2202C variant (also known as c.6605A>G), located in coding exon 45 of the ATM gene, results from an A to G substitution at nucleotide position 6605. The tyrosine at codon 2202 is replaced by cysteine, an amino acid with highly dissimilar properties. This amino acid position is conserved. In addition, this alteration is predicted to be tolerated by in silico analysis. Since supporting evidence is limited at this time, the clinical significance of this alteration remains unclear.

NM_000051.4(ATM):c.6605A>G (p.Tyr2202Cys)

Genes: ATM (ATM serine/threonine kinase; plus strand), C11orf65 (chromosome 11 open reading frame 65; minus strand). Cytogenetic location: 11q22.3.
Variant type: single nucleotide variant.
Coding change: c.6605A>G on transcript NM_000051.4 (MANE Select); coding-DNA position 6605, A replaced by G.
Protein change: p.Tyr2202Cys; replaces tyrosine 2202 with cysteine.
Molecular consequence: missense variant. On other transcripts: intron variant (2).
Genome position (GRCh38, 1-based): chr11:108,325,342, A>G. VCF-style: chr11-108325342-A-G. GRCh37 (hg19) VCF-style: chr11-108196069-A-G.
Other names: c.6605A>G, p.Tyr2202Cys (NM_001351834.2); c.641-16271T>C (NM_001330368.2); c.*38+9878T>C (NM_001351110.2); short protein forms Y2202C.
Identifiers: ClinVar variation 1754432 (VCV001754432.2), dbSNP rs2136308320, ClinGen allele CA382554710.